The following is an entry in ClinVar:

ClinVar aggregate classification (germline): Pathogenic (1 of 4 stars; one submission).

Submission:

Quest Diagnostics Nichols Institute San Juan Capistrano
Classification: Pathogenic. Last evaluated: 2023-07-06. Review status: criteria provided, single submitter. Criteria: ACMG/ClinGen CNV Guidelines, 2019. Collection method: clinical testing. Allele origin: unknown.
Comment: This duplication contains numerous protein-coding genes. Heterozygous duplications overlapping this region have been reported in patients with various phenotypes (Aarabi 2022. Riley 2015, Rudd 2009). There are no similar copy number gains of this region in the general populations of the Database of Genomic Variants. Thus, based on current medical literature and gene count, this CNV is classified as pathogenic. References: Aarabi et al., Psychiatr Genet. 2022 Jul 15. PMID: 35837682; Riley et al., Am J Med Genet A. 2015 Nov;167A(11):2664-73. PMID: 26227573; Rudd et al., Hum Mol Genet. 2009 Aug 15;18(16):2957-62. PMID: 19443486

GRCh37/hg19 2q11.1-13(chr2:96353030-114045463)x3

Genes: ACOXL (acyl-CoA oxidase like; plus strand), ACTR1B (actin related protein 1B; minus strand), ADRA2B (adrenoceptor alpha 2B; minus strand), AFF3 (ALF transcription elongation factor 3; minus strand), ANAPC1 (anaphase promoting complex subunit 1; minus strand) and 119 more. Cytogenetic location: 2q11.1-13.
Variant type: copy number gain.
Change: copy number 3 (three copies instead of two) of chr2:96,353,030-114,045,463 (17.69 Mb, GRCh37 coordinates, 1-based), cytogenetic band 2q11.1-13.
Identifiers: ClinVar variation 562679 (VCV000562679.2).